The following is an entry in ClinVar:

ClinVar aggregate classification (germline): Likely pathogenic (1 of 4 stars; one submission).

Allele frequency attached by ClinVar (database versions not stated): gnomAD exomes 0.00001.
gnomAD v4.1: 4 of 1,592,174 alleles (0.00025%); highest among the groups gnomAD compares: Non-Finnish European, 0.00034%; no homozygotes.

Submission:

Labcorp Genetics (formerly Invitae), Labcorp
Classification: Likely pathogenic. Last evaluated: 2023-09-08. Review status: criteria provided, single submitter. Criteria: Invitae Variant Classification Sherloc (09022015). Collection method: clinical testing. Allele origin: germline.
Comment: This sequence change affects a donor splice site in intron 66 of the ADGRV1 gene. It is expected to disrupt RNA splicing. Variants that disrupt the donor or acceptor splice site typically lead to a loss of protein function (PMID: 16199547), and loss-of-function variants in ADGRV1 are known to be pathogenic (PMID: 19357117, 22135276, 22147658, 26226137, 30718709, 31047384, 32467589). This variant is not present in population databases (gnomAD no frequency). This variant has not been reported in the literature in individuals affected with ADGRV1-related conditions. Algorithms developed to predict the effect of sequence changes on RNA splicing suggest that this variant may disrupt the consensus splice site. In summary, the currently available evidence indicates that the variant is pathogenic, but additional data are needed to prove that conclusively. Therefore, this variant has been classified as Likely Pathogenic.

Literature cited by the submitters: PubMed 16199547; PubMed 19357117; PubMed 22135276; PubMed 22147658; PubMed 26226137; PubMed 30718709; PubMed 31047384; PubMed 32467589.

NM_032119.4(ADGRV1):c.13433+2T>C

Gene: ADGRV1 (adhesion G protein-coupled receptor V1; plus strand). Cytogenetic location: 5q14.3.
Variant type: single nucleotide variant.
Coding change: c.13433+2T>C on transcript NM_032119.4 (MANE Select); the canonical splice donor site of the intron after coding-DNA position 13433, T replaced by C.
Molecular consequence: splice donor variant.
Genome position (GRCh38, 1-based): chr5:90,783,327, T>C. VCF-style: chr5-90783327-T-C. GRCh37 (hg19) VCF-style: chr5-90079144-T-C.
Identifiers: ClinVar variation 2758743 (VCV002758743.3), dbSNP rs2531927990, ClinGen allele CA360394512.